The following is an entry in ClinVar:

ClinVar aggregate classification (germline): Pathogenic (1 of 4 stars; one submission).

Conditions:
Hereditary cancer-predisposing syndrome. Also called: Neoplastic Syndromes, Hereditary; Tumor predisposition; Hereditary neoplastic syndrome; Hereditary Cancer Syndrome. Identifiers: Orphanet 140162, MedGen C0027672, MeSH D009386, MONDO:0015356.

Submission:

Ambry Genetics
Classification: Pathogenic for Hereditary cancer-predisposing syndrome. Last evaluated: 2023-09-28. Review status: criteria provided, single submitter. Criteria: Ambry Variant Classification Scheme 2023. Collection method: clinical testing. Allele origin: germline.
Comment: The c.111delA pathogenic mutation, located in coding exon 2 of the BRCA2 gene, results from a deletion of one nucleotide at nucleotide position 111, causing a translational frameshift with a predicted alternate stop codon (p.E38Kfs*42).This variant is considered to be rare based on population cohorts in the Genome Aggregation Database (gnomAD). This alteration is expected to result in loss of function by premature protein truncation or nonsense-mediated mRNA decay. As such, this alteration is interpreted as a disease-causing mutation.

NM_000059.4(BRCA2):c.111del (p.Glu38fs)

Gene: BRCA2 (BRCA2 DNA repair associated; plus strand). Cytogenetic location: 13q13.1.
Variant type: Deletion.
Coding change: c.111del on transcript NM_000059.4 (MANE Select); coding-DNA position 111, one base deleted (A; older notation c.111delA).
Protein change: p.Glu38fs; shifts the reading frame from glutamic acid 38.
Molecular consequence: frameshift variant. On other transcripts: 5 prime UTR variant (1), non-coding transcript variant (1).
Genome position (GRCh38, 1-based): chr13:32,319,120, A deleted. VCF-style (leftmost placement, unchanged base first): chr13-32319119-CA-C. GRCh37 (hg19) VCF-style: chr13-32893256-CA-C.
Other names: c.111del, p.Glu38fs (NM_001406719.1, NM_001406720.1, NM_001406721.1); c.-259del (NM_001406722.1); short protein forms E38fs.
Identifiers: ClinVar variation 3225167 (VCV003225167.1), dbSNP rs2548511170, ClinGen allele CA2825002116.